The following is an entry in ClinVar:

ClinVar aggregate classification (germline): Uncertain significance (1 of 4 stars; one submission).

Conditions:
PLXNA4-related disorder. Also called: PLXNA4-related condition.

Allele frequency attached by ClinVar (database versions not stated): TOPMed below 0.00001; ExAC 0.00001.
gnomAD v4.1: 5 of 1,613,988 alleles (0.00031%); highest among the groups gnomAD compares: Admixed American, 0.0067%; no homozygotes.

Submission:

PreventionGenetics, part of Exact Sciences
Classification: Uncertain significance for PLXNA4-related condition. Last evaluated: 2023-09-14. Review status: criteria provided, single submitter. Criteria: ACMG Guidelines, 2015. Collection method: clinical testing. Allele origin: germline.
Comment: The PLXNA4 c.2780C>T variant is predicted to result in the amino acid substitution p.Ala927Val. To our knowledge, this variant has not been reported in the literature. This variant is reported in 0.012% of alleles in individuals of Latino descent in gnomAD. At this time, the clinical significance of this variant is uncertain due to the absence of conclusive functional and genetic evidence.

NM_020911.2(PLXNA4):c.2780C>T (p.Ala927Val)

Gene: PLXNA4 (plexin A4; minus strand). Cytogenetic location: 7q32.3.
Variant type: single nucleotide variant.
Coding change: c.2780C>T on transcript NM_020911.2 (MANE Select); coding-DNA position 2780, C replaced by T.
Protein change: p.Ala927Val; replaces alanine 927 with valine.
Molecular consequence: missense variant.
Genome position (GRCh38, 1-based): chr7:132,194,138, G>A on the plus strand (C>T on the coding strand, the complement: PLXNA4 is on the minus strand). VCF-style: chr7-132194138-G-A. GRCh37 (hg19) VCF-style: chr7-131878897-G-A.
Other names: c.2780C>T, p.Ala927Val (NM_001393897.1); short protein forms A927V.
Identifiers: ClinVar variation 2632083 (VCV002632083.1), dbSNP rs766538861, ClinGen allele CA4489690.